The following is an entry in ClinVar:

ClinVar aggregate classification (germline): Pathogenic (1 of 4 stars; one submission).

Submission:

GeneDx
Classification: Pathogenic. Last evaluated: 2016-03-03. Review status: criteria provided, single submitter. Criteria: GeneDx Variant Classification (06012015). Collection method: clinical testing. Allele origin: germline. Affected: yes.
Comment: The c.17delC pathogenic variant in the ERLIN2 gene gene has not been reported previously as a pathogenic variant nor as a benign variant, to our knowledge. The c.17delC variant causes a frameshift starting with codon Alanine 6, changes this amino acid to a Glutamic Acid residue, and creates a premature Stop codon at position 21 of the new reading frame, denoted p.Ala6GlufsX21. This variant is predicted to cause loss of normal protein function either through protein truncation or nonsense-mediated mRNA decay. The c.17delC variant was not observed in approximately 6500 individuals of European and African American ancestry in the NHLBI Exome Sequencing Project, indicating it is not a common benign variant in these populations. We interpret c.17delC as a pathogenic variant.

NM_007175.8(ERLIN2):c.17del (p.Ala6fs)

Gene: ERLIN2 (ER lipid raft associated 2; plus strand). Cytogenetic location: 8p11.23.
Variant type: Deletion.
Coding change: c.17del on transcript NM_007175.8 (MANE Select); coding-DNA position 17, one base deleted (C; older notation c.17delC).
Protein change: p.Ala6fs; shifts the reading frame from alanine 6.
Molecular consequence: frameshift variant.
Genome position (GRCh38, 1-based): chr8:37,737,939, C deleted. VCF-style (leftmost placement, unchanged base first): chr8-37737938-GC-G. GRCh37 (hg19) VCF-style: chr8-37595456-GC-G.
Other names: c.17del, p.Ala6fs (NM_001003790.4, NM_001003791.3, NM_001362878.2 and 1 more transcripts); short protein forms A6fs.
Identifiers: ClinVar variation 280398 (VCV000280398.2), dbSNP rs886041612, ClinGen allele CA10603063.